The following is an entry in ClinVar:

NM_004415.4(DSP):c.4712A>C (p.Gln1571Pro)

Gene: DSP (desmoplakin; plus strand). Cytogenetic location: 6p24.3.
Variant type: single nucleotide variant.
Coding change: c.4712A>C on transcript NM_004415.4 (MANE Select); coding-DNA position 4712, A replaced by C.
Protein change: p.Gln1571Pro; replaces glutamine 1571 with proline.
Molecular consequence: missense variant. On other transcripts: intron variant (2).
Genome position (GRCh38, 1-based): chr6:7,580,902, A>C. VCF-style: chr6-7580902-A-C. GRCh37 (hg19) VCF-style: chr6-7581135-A-C.
Other names: c.4050+662A>C (NM_001319034.2); c.3582+1130A>C (NM_001008844.3); short protein forms Q1571P.
Identifiers: ClinVar variation 2928704 (VCV002928704.3), dbSNP rs1052175072, ClinGen allele CA133970213.

ClinVar aggregate classification (germline): Uncertain significance (1 of 4 stars; one submission).

Conditions:
Arrhythmogenic cardiomyopathy with wooly hair and keratoderma. Also called: Arrhythmogenic cardiomyopathy with woolly hair and keratoderma; Dilated cardiomyopathy with woolly hair and keratoderma; PALMOPLANTAR KERATODERMA WITH LEFT VENTRICULAR CARDIOMYOPATHY AND WOOLLY HAIR; Carvajal syndrome. Identifiers: Orphanet 65282, MedGen C1854063, MONDO:0011581, OMIM 605676.
Arrhythmogenic right ventricular dysplasia 8 (ARVD8). Also called: Arrhythmogenic Right Ventricular Dysplasia/Cardiomyopathy 8; ARRHYTHMOGENIC RIGHT VENTRICULAR DYSPLASIA, FAMILIAL, 8; ARRHYTHMOGENIC RIGHT VENTRICULAR CARDIOMYOPATHY 8. Identifiers: MedGen C1843896, MONDO:0011831, OMIM 607450.

Allele frequency attached by ClinVar (database versions not stated): TOPMed 0.00001.

Submission:

Labcorp Genetics (formerly Invitae), Labcorp
Classification: Uncertain significance for Arrhythmogenic cardiomyopathy with wooly hair and keratoderma; Arrhythmogenic right ventricular dysplasia 8. Last evaluated: 2024-03-16. Review status: criteria provided, single submitter. Criteria: Invitae Variant Classification Sherloc (09022015). Collection method: clinical testing. Allele origin: germline.
Comment: This sequence change replaces glutamine, which is neutral and polar, with proline, which is neutral and non-polar, at codon 1571 of the DSP protein (p.Gln1571Pro). This variant is not present in population databases (gnomAD no frequency). This variant has not been reported in the literature in individuals affected with DSP-related conditions. An algorithm developed to predict the effect of missense changes on protein structure and function (PolyPhen-2) suggests that this variant is likely to be tolerated. In summary, the available evidence is currently insufficient to determine the role of this variant in disease. Therefore, it has been classified as a Variant of Uncertain Significance.